The following is an entry in ClinVar:

NM_024675.4(PALB2):c.212-25_212-24insTA

Gene: PALB2 (partner and localizer of BRCA2; minus strand). Cytogenetic location: 16p12.2.
Variant type: Insertion.
Coding change: c.212-25_212-24insTA on transcript NM_024675.4 (MANE Select); 25 bases into the intron before coding-DNA position 212 through 24 bases into the intron before coding-DNA position 212, TA inserted.
Molecular consequence: intron variant.
Genome position: GRCh38 VCF-style: chr16-23636358-A-AAT. GRCh37 (hg19) VCF-style: chr16-23647679-A-AAT.
Other names: c.212-25_212-24insAT (NM_024675.3).
Identifiers: ClinVar variation 126633 (VCV000126633.3), dbSNP rs515726078, ClinGen allele CA269518.

ClinVar aggregate classification (germline): Likely benign (0 of 4 stars; one submission).

Conditions:
Familial cancer of breast. Also called: BREAST CANCER, FAMILIAL; hereditary breast carcinoma; Hereditary breast cancer. Identifiers: Orphanet 227535, MedGen C0346153, MONDO:0016419, OMIM 114480. Disease mechanism: loss of function.

Submission:

Leiden Open Variation Database
Classification: Likely benign for Familial cancer of breast. Last evaluated: 2019-05-13. Review status: no assertion criteria provided. Collection method: curation. Allele origin: germline. Affected: yes.
Comment: Curators: Marc Tischkowitz, Arleen D. Auerbach. Submitter to LOVD: Marc Tischkowitz.

Literature cited by the submitters: PubMed 22241545.